The following is an entry in ClinVar:

ClinVar aggregate classification (germline): Uncertain significance (1 of 4 stars; one submission).

Conditions:
Early-infantile DEE. Also called: Ohtahara syndrome; Early infantile epileptic encephalopathy with suppression bursts; Early infantile epileptic encephalopathy. Identifiers: Orphanet 1934, MedGen C0393706, MONDO:0800491.

Submission:

Labcorp Genetics (formerly Invitae), Labcorp
Classification: Uncertain significance for Early-infantile DEE. Last evaluated: 2023-05-13. Review status: criteria provided, single submitter. Criteria: Invitae Variant Classification Sherloc (09022015). Collection method: clinical testing. Allele origin: germline.
Comment: In summary, the available evidence is currently insufficient to determine the role of this variant in disease. Therefore, it has been classified as a Variant of Uncertain Significance. Algorithms developed to predict the effect of missense changes on protein structure and function output the following: SIFT: "Not Available"; PolyPhen-2: "Benign"; Align-GVGD: "Not Available". The lysine amino acid residue is found in multiple mammalian species, which suggests that this missense change does not adversely affect protein function. This variant has not been reported in the literature in individuals affected with KCNQ2-related conditions. This variant is not present in population databases (gnomAD no frequency). This sequence change replaces arginine, which is basic and polar, with lysine, which is basic and polar, at codon 422 of the KCNQ2 protein (p.Arg422Lys).

NM_172107.4(KCNQ2):c.1265G>A (p.Arg422Lys)

Gene: KCNQ2 (potassium voltage-gated channel subfamily Q member 2; minus strand). Cytogenetic location: 20q13.33.
Variant type: single nucleotide variant.
Coding change: c.1265G>A on transcript NM_172107.4 (MANE Select); coding-DNA position 1265, G replaced by A.
Protein change: p.Arg422Lys; replaces arginine 422 with lysine.
Molecular consequence: missense variant. On other transcripts: intron variant (4).
Genome position (GRCh38, 1-based): chr20:63,419,655, C>T on the plus strand (G>A on the coding strand, the complement: KCNQ2 is on the minus strand). VCF-style: chr20-63419655-C-T. GRCh37 (hg19) VCF-style: chr20-62051008-C-T.
Other names: c.1217+4522G>A (NM_004518.6); c.1247+4522G>A (NM_172108.5, NM_172106.3, NM_001382235.1); short protein forms R422K.
Identifiers: ClinVar variation 2863820 (VCV002863820.3), dbSNP rs2516237920, ClinGen allele CA409648539.